The following is an entry in ClinVar:

NM_000338.3(SLC12A1):c.2261A>G (p.Asp754Gly)

Gene: SLC12A1 (solute carrier family 12 member 1; plus strand). Cytogenetic location: 15q21.1.
Variant type: single nucleotide variant.
Coding change: c.2261A>G on transcript NM_000338.3 (MANE Select); coding-DNA position 2261, A replaced by G.
Protein change: p.Asp754Gly; replaces aspartic acid 754 with glycine.
Molecular consequence: missense variant.
Genome position (GRCh38, 1-based): chr15:48,267,667, A>G. VCF-style: chr15-48267667-A-G. GRCh37 (hg19) VCF-style: chr15-48559864-A-G.
Other names: c.2261A>G (NM_000338.2); c.2261A>G, p.Asp754Gly (NM_001184832.2, NM_001384136.1); short protein forms D754G.
Identifiers: ClinVar variation 2191029 (VCV002191029.3), dbSNP rs200929258, ClinGen allele CA7547331.
Genomic context (GRCh38, chr15:48,267,667, plus strand): 5'-AAAAACAGGCCTGGCTTATAAAGAACAAAATCAAGGCTTTTTATGCTGCAGTGGCGGCAG[A>G]CTGTTTCAGGGATGGTGTCCGAAGTCTTCTTCAGGTAAGGCTGCATTGAGGGAATGAGCA-3'
Protein context (NP_000329.2, residues 744-764): IKAFYAAVAA[Asp754Gly]CFRDGVRSLL

ClinVar aggregate classification (germline): Uncertain significance. Review status: criteria provided, multiple submitters, no conflicts (2 of 4 stars). 2 submissions from 2 submitters: Uncertain significance (2). Last evaluated 2025-08-20.

Conditions:
Inborn genetic diseases. Identifiers: MedGen C0950123, MeSH D030342.

Allele frequency attached by ClinVar (database versions not stated): gnomAD exomes below 0.00001; ExAC 0.00002; gnomAD 0.00004; TOPMed 0.00005; 1000 Genomes Project 30x 0.00016; 1000 Genomes Project 0.00020.
gnomAD v4.1: 9 of 1,613,518 alleles (0.00056%); highest among the groups gnomAD compares: African/African-American, 0.011%; no homozygotes.

Submissions (2):

Ambry Genetics
Classification: Uncertain significance for Inborn genetic diseases. Last evaluated: 2025-08-20. Review status: criteria provided, single submitter. Criteria: Ambry Variant Classification Scheme 2023. Collection method: clinical testing. Allele origin: germline.

Labcorp Genetics (formerly Invitae), Labcorp
Classification: Uncertain significance. Last evaluated: 2025-06-12. Review status: criteria provided, single submitter. Criteria: Invitae Variant Classification Sherloc (09022015). Collection method: clinical testing. Allele origin: germline.
Comment: This sequence change replaces aspartic acid, which is acidic and polar, with glycine, which is neutral and non-polar, at codon 754 of the SLC12A1 protein (p.Asp754Gly). This variant is present in population databases (rs200929258, gnomAD 0.02%). This variant has not been reported in the literature in individuals affected with SLC12A1-related conditions. ClinVar contains an entry for this variant (Variation ID: 2191029). Invitae Evidence Modeling of protein sequence and biophysical properties (such as structural, functional, and spatial information, amino acid conservation, physicochemical variation, residue mobility, and thermodynamic stability) has been performed for this missense variant. However, the output from this modeling did not meet the statistical confidence thresholds required to predict the impact of this variant on SLC12A1 protein function. In summary, the available evidence is currently insufficient to determine the role of this variant in disease. Therefore, it has been classified as a Variant of Uncertain Significance.